The following is an entry in ClinVar:

ClinVar aggregate classification (germline): Uncertain significance. Review status: criteria provided, single submitter (1 of 4 stars). 2 submissions from 2 submitters: Uncertain significance (1). 1 of the submissions does not count toward it. Last evaluated 2017-09-07.

Conditions:
SLC10A1-related disorder. Also called: SLC10A1-related condition.

Allele frequency attached by ClinVar (database versions not stated): gnomAD exomes 0.00012; ExAC 0.00017; 1000 Genomes Project 0.00040; 1000 Genomes Project 30x 0.00047; gnomAD 0.00052 and 0.00054; TOPMed 0.00059; ESP Exome Variant Server 0.00077.
gnomAD v4.1: 150 of 1,614,096 alleles (0.0093%); highest among the groups gnomAD compares: African/African-American, 0.17%; no homozygotes.

Submissions (2):

Eurofins Ntd Llc (ga)
Classification: Uncertain significance. Last evaluated: 2017-09-07. Review status: criteria provided, single submitter. Criteria: EGL Classification Definitions 2015. Collection method: clinical testing. Allele origin: germline. Observed: 2 variant alleles, 2 heterozygotes.

PreventionGenetics, part of Exact Sciences
Classification: Likely benign for SLC10A1-related condition. Last evaluated: 2019-02-18. Review status: no assertion criteria provided. Collection method: clinical testing. Allele origin: germline. Not counted in ClinVar's aggregate classification.
Comment: This variant is classified as likely benign based on ACMG/AMP sequence variant interpretation guidelines (Richards et al. 2015 PMID: 25741868, with internal and published modifications).

NM_003049.4(SLC10A1):c.393T>G (p.Leu131=)

Gene: SLC10A1 (solute carrier family 10 member 1; minus strand). Cytogenetic location: 14q24.1.
Variant type: single nucleotide variant.
Coding change: c.393T>G on transcript NM_003049.4 (MANE Select); coding-DNA position 393, T replaced by G.
Protein change: p.Leu131=; no amino-acid change (leucine 131 retained).
Molecular consequence: synonymous variant.
Genome position (GRCh38, 1-based): chr14:69,786,271, A>C on the plus strand (T>G on the coding strand, the complement: SLC10A1 is on the minus strand). VCF-style: chr14-69786271-A-C. GRCh37 (hg19) VCF-style: chr14-70252988-A-C.
Other names: c.393T>G (NM_003049.3).
Identifiers: ClinVar variation 593998 (VCV000593998.7), dbSNP rs61744165, ClinGen allele CA7246183.